The following is an entry in ClinVar:

ClinVar aggregate classification (germline): Uncertain significance. Review status: criteria provided, multiple submitters, no conflicts (2 of 4 stars). 2 submissions from 2 submitters: Uncertain significance (2). Last evaluated 2023-12-20.

Conditions:
Facioscapulohumeral muscular dystrophy 2 (FSHD2). Also called: MUSCULAR DYSTROPHY, FACIOSCAPULOHUMERAL, TYPE 1B; FACIOSCAPULOHUMERAL MUSCULAR DYSTROPHY 2, DIGENIC; FSHD2, DIGENIC. Identifiers: Orphanet 269, MedGen C1834671, MONDO:0008031, OMIM 158901.

Allele frequency attached by ClinVar (database versions not stated): gnomAD exomes below 0.00001; gnomAD 0.00001.
gnomAD v4.1: 3 of 1,610,556 alleles (0.00019%); highest among the groups gnomAD compares: Non-Finnish European, 0.00025%; no homozygotes.

Submissions (2):

GeneDx
Classification: Uncertain significance. Last evaluated: 2023-12-20. Review status: criteria provided, single submitter. Criteria: GeneDx Variant Classification Process June 2021. Collection method: clinical testing. Allele origin: germline. Affected: yes.
Comment: Not observed at significant frequency in large population cohorts (gnomAD); In silico analysis supports that this missense variant does not alter protein structure/function; Has not been previously published as pathogenic or benign to our knowledge

Labcorp Genetics (formerly Invitae), Labcorp
Classification: Uncertain significance for Facioscapulohumeral muscular dystrophy 2. Last evaluated: 2022-02-18. Review status: criteria provided, single submitter. Criteria: Invitae Variant Classification Sherloc (09022015). Collection method: clinical testing. Allele origin: germline.
Comment: In summary, the available evidence is currently insufficient to determine the role of this variant in disease. Therefore, it has been classified as a Variant of Uncertain Significance. Algorithms developed to predict the effect of missense changes on protein structure and function are either unavailable or do not agree on the potential impact of this missense change (SIFT: "Deleterious"; PolyPhen-2: "Benign"; Align-GVGD: "Class C0"). This variant has not been reported in the literature in individuals affected with SMCHD1-related conditions. This variant is not present in population databases (gnomAD no frequency). This sequence change replaces alanine, which is neutral and non-polar, with valine, which is neutral and non-polar, at codon 1138 of the SMCHD1 protein (p.Ala1138Val).

NM_015295.3(SMCHD1):c.3413C>T (p.Ala1138Val)

Gene: SMCHD1 (structural maintenance of chromosomes flexible hinge domain containing 1; plus strand). Cytogenetic location: 18p11.32.
Variant type: single nucleotide variant.
Coding change: c.3413C>T on transcript NM_015295.3 (MANE Select); coding-DNA position 3413, C replaced by T.
Protein change: p.Ala1138Val; replaces alanine 1138 with valine.
Molecular consequence: missense variant.
Genome position (GRCh38, 1-based): chr18:2,738,533, C>T. VCF-style: chr18-2738533-C-T. GRCh37 (hg19) VCF-style: chr18-2738531-C-T.
Other names: c.3413C>T (NM_015295.2); short protein forms A1138V.
Identifiers: ClinVar variation 1959947 (VCV001959947.6), dbSNP rs2075292325, ClinGen allele CA401687118.